The following is an entry in ClinVar:

NM_020774.4(MIB1):c.2119C>G (p.Leu707Val)

Gene: MIB1 (MIB E3 ubiquitin protein ligase 1; plus strand). Cytogenetic location: 18q11.2.
Variant type: single nucleotide variant.
Coding change: c.2119C>G on transcript NM_020774.4 (MANE Select); coding-DNA position 2119, C replaced by G.
Protein change: p.Leu707Val; replaces leucine 707 with valine.
Molecular consequence: missense variant.
Genome position (GRCh38, 1-based): chr18:21,844,161, C>G. VCF-style: chr18-21844161-C-G. GRCh37 (hg19) VCF-style: chr18-19424122-C-G.
Other names: short protein forms L707V.
Identifiers: ClinVar variation 4860027 (VCV004860027.1).
Genomic context (GRCh38, chr18:21,844,161, plus strand): 5'-CGTGCAGGTGCCAAGCTTGATATTCAGGATAAGGATGGGGATACTCCTTTGCATGAAGCT[C>G]TAAGGCATCACACTTTGTCTCAGCTACGTCAGCTCCAAGATATGCAAGATGTGGGGAAGG-3'
Protein context (NP_065825.1, residues 697-717): KDGDTPLHEA[Leu707Val]RHHTLSQLRQ

ClinVar aggregate classification (germline): Uncertain significance (1 of 4 stars; one submission).

Conditions:
Inborn genetic diseases. Identifiers: MedGen C0950123, MeSH D030342.

gnomAD v4.1: 1 of 1,614,092 alleles (0.000062%); highest among the groups gnomAD compares: Admixed American, 0.0017%; no homozygotes.

Submission:

Ambry Genetics
Classification: Uncertain significance for Inborn genetic diseases. Last evaluated: 2026-04-27. Review status: criteria provided, single submitter. Criteria: Ambry Variant Classification Scheme 2023. Collection method: clinical testing. Allele origin: germline.
Comment: The p.L707V variant (also known as c.2119C>G), located in coding exon 15 of the MIB1 gene, results from a C to G substitution at nucleotide position 2119. The leucine at codon 707 is replaced by valine, an amino acid with highly similar properties. This amino acid position is conserved. In addition, this alteration is predicted to be tolerated by in silico analysis. Based on the available evidence, the clinical significance of this variant remains unclear.